The following is an entry in ClinVar:

NM_006885.4(ZFHX3):c.1706G>A (p.Arg569His)

Gene: ZFHX3 (zinc finger homeobox 3; minus strand). Cytogenetic location: 16q22.3.
Variant type: single nucleotide variant.
Coding change: c.1706G>A on transcript NM_006885.4 (MANE Select); coding-DNA position 1706, G replaced by A.
Protein change: p.Arg569His; replaces arginine 569 with histidine.
Molecular consequence: missense variant. On other transcripts: intron variant (1).
Genome position (GRCh38, 1-based): chr16:72,958,440, C>T on the plus strand (G>A on the coding strand, the complement: ZFHX3 is on the minus strand). VCF-style: chr16-72958440-C-T. GRCh37 (hg19) VCF-style: chr16-72992339-C-T.
Other names: c.1706G>A, p.Arg569His (NM_001386735.1); c.-23-7475G>A (NM_001164766.2); short protein forms R569H.
Identifiers: ClinVar variation 2385753 (VCV002385753.26), dbSNP rs372337934, ClinGen allele CA8164652.

ClinVar aggregate classification (germline): Conflicting classifications of pathogenicity. Review status: criteria provided, conflicting classifications (1 of 4 stars). 2 submissions from 2 submitters: Uncertain significance (1); Likely benign (1). Last evaluated 2023-08-01.

Allele frequency attached by ClinVar (database versions not stated): TOPMed 0.00011; ESP Exome Variant Server 0.00031.
gnomAD v4.1: 292 of 1,614,088 alleles (0.018%); highest among the groups gnomAD compares: Middle Eastern, 0.033%; no homozygotes.

Submissions (2):

CeGaT Center for Human Genetics Tuebingen
Classification: Likely benign. Last evaluated: 2023-08-01. Review status: criteria provided, single submitter. Criteria: CeGaT Center For Human Genetics Tuebingen Variant Classification Criteria Version 2. Collection method: clinical testing. Allele origin: germline. Affected: yes. Observed: 1 variant allele.
Comment: ZFHX3: BP4

Ambry Genetics
Classification: Uncertain significance. Last evaluated: 2021-07-06. Review status: criteria provided, single submitter. Criteria: Ambry Variant Classification Scheme 2023. Collection method: clinical testing. Allele origin: germline.